The following is an entry in ClinVar:

NM_000260.4(MYO7A):c.5636+7C>T

Gene: MYO7A (myosin VIIA; plus strand). Cytogenetic location: 11q13.5.
Variant type: single nucleotide variant.
Coding change: c.5636+7C>T on transcript NM_000260.4 (MANE Select); 7 bases into the intron after coding-DNA position 5636, C replaced by T.
Molecular consequence: intron variant.
Genome position (GRCh38, 1-based): chr11:77,205,624, C>T. VCF-style: chr11-77205624-C-T. GRCh37 (hg19) VCF-style: chr11-76916669-C-T.
Other names: c.5489+7C>T (NM_001369365.1); c.5522+7C>T (NM_001127180.2); c.5636+7C>T (NM_000260.3).
Identifiers: ClinVar variation 1120717 (VCV001120717.11), dbSNP rs529873922, ClinGen allele CA6198759.

ClinVar aggregate classification (germline): Likely benign. Review status: criteria provided, multiple submitters, no conflicts (2 of 4 stars). 3 submissions from 3 submitters: Likely benign (3). Last evaluated 2025-11-11.

Conditions:
MYO7A-related disorder. Also called: MYO7A-related disorders.

Allele frequency attached by ClinVar (database versions not stated): ExAC 0.00001; gnomAD 0.00006; TOPMed 0.00008.
gnomAD v4.1: 71 of 1,612,926 alleles (0.0044%); highest among the groups gnomAD compares: Middle Eastern, 0.033%; no homozygotes.

Submissions (3):

PreventionGenetics, part of Exact Sciences
Classification: Likely benign for MYO7A-related condition. Last evaluated: 2025-11-11. Review status: criteria provided, single submitter. Criteria: ACMG Guidelines, 2015. Collection method: clinical testing. Allele origin: germline.
Comment: This variant is classified as likely benign based on ACMG/AMP sequence variant interpretation guidelines (Richards et al. 2015 PMID: 25741868, with internal and published modifications).

Labcorp Genetics (formerly Invitae), Labcorp
Classification: Likely benign. Last evaluated: 2025-03-31. Review status: criteria provided, single submitter. Criteria: Invitae Variant Classification Sherloc (09022015). Collection method: clinical testing. Allele origin: germline.

Blueprint Genetics
Classification: Likely benign. Last evaluated: 2024-10-02. Review status: criteria provided, single submitter. Criteria: ACMG Guidelines, 2015. Collection method: clinical testing. Allele origin: germline.